The following is an entry in ClinVar:

ClinVar aggregate classification (germline): Uncertain significance (1 of 4 stars; one submission).

Submission:

Labcorp Genetics (formerly Invitae), Labcorp
Classification: Uncertain significance. Last evaluated: 2025-03-12. Review status: criteria provided, single submitter. Criteria: Invitae Variant Classification Sherloc (09022015). Collection method: clinical testing. Allele origin: germline.
Comment: This sequence change replaces glycine, which is neutral and non-polar, with arginine, which is basic and polar, at codon 101 of the GATA5 protein (p.Gly101Arg). This variant is not present in population databases (gnomAD no frequency). This variant has not been reported in the literature in individuals affected with GATA5-related conditions. Invitae Evidence Modeling of protein sequence and biophysical properties (such as structural, functional, and spatial information, amino acid conservation, physicochemical variation, residue mobility, and thermodynamic stability) indicates that this missense variant is not expected to disrupt GATA5 protein function with a negative predictive value of 80%. In summary, the available evidence is currently insufficient to determine the role of this variant in disease. Therefore, it has been classified as a Variant of Uncertain Significance.

NM_080473.5(GATA5):c.301G>A (p.Gly101Arg)

Gene: GATA5 (GATA binding protein 5; minus strand). Cytogenetic location: 20q13.33.
Variant type: single nucleotide variant.
Coding change: c.301G>A on transcript NM_080473.5 (MANE Select); coding-DNA position 301, G replaced by A.
Protein change: p.Gly101Arg; replaces glycine 101 with arginine.
Molecular consequence: missense variant.
Genome position (GRCh38, 1-based): chr20:62,475,221, C>T on the plus strand (G>A on the coding strand, the complement: GATA5 is on the minus strand). VCF-style: chr20-62475221-C-T. GRCh37 (hg19) VCF-style: chr20-61050277-C-T.
Other names: short protein forms G101R.
Identifiers: ClinVar variation 4703465 (VCV004703465.1).
Genomic context (GRCh38, chr20:62,475,221, plus strand): 5'-ACAGCGCGCCCTGGTAGGCACTGCCGTCTCGGCCCCCCGCGCTGCCGCCGCTGCCGGGCC[C>T]CGAGGGGCTGTGCGCGAAAGGGAAGGCGGTGGCCCCGGGCGGGTGCGCGGCTGGGGGGTG-3'
Protein context (NP_536721.1, residues 91-111): TAFPFAHSPS[Gly101Arg]PGSGGSAGGR